The following is an entry in ClinVar:

ClinVar aggregate classification (germline): Uncertain significance. Review status: criteria provided, multiple submitters, no conflicts (2 of 4 stars). 2 submissions from 2 submitters: Uncertain significance (2). Last evaluated 2025-02-23.

Conditions:
Hereditary nonpolyposis colorectal neoplasms. Identifiers: MedGen C0009405, MeSH D003123.
Hereditary cancer-predisposing syndrome. Also called: Hereditary neoplastic syndrome; Hereditary Cancer Syndrome; Neoplastic Syndromes, Hereditary; Tumor predisposition. Identifiers: Orphanet 140162, MedGen C0027672, MeSH D009386, MONDO:0015356.

Submissions (2):

Labcorp Genetics (formerly Invitae), Labcorp
Classification: Uncertain significance for Hereditary nonpolyposis colorectal neoplasms. Last evaluated: 2025-02-23. Review status: criteria provided, single submitter. Criteria: Invitae Variant Classification Sherloc (09022015). Collection method: clinical testing. Allele origin: germline.
Comment: This sequence change replaces isoleucine, which is neutral and non-polar, with leucine, which is neutral and non-polar, at codon 622 of the MSH6 protein (p.Ile622Leu). This variant is not present in population databases (gnomAD no frequency). This variant has not been reported in the literature in individuals affected with MSH6-related conditions. ClinVar contains an entry for this variant (Variation ID: 2567459). Invitae Evidence Modeling of protein sequence and biophysical properties (such as structural, functional, and spatial information, amino acid conservation, physicochemical variation, residue mobility, and thermodynamic stability) indicates that this missense variant is not expected to disrupt MSH6 protein function with a negative predictive value of 95%. In summary, the available evidence is currently insufficient to determine the role of this variant in disease. Therefore, it has been classified as a Variant of Uncertain Significance.

Ambry Genetics
Classification: Uncertain significance for Hereditary cancer-predisposing syndrome. Last evaluated: 2023-04-20. Review status: criteria provided, single submitter. Criteria: Ambry Variant Classification Scheme 2023. Collection method: clinical testing. Allele origin: germline.
Comment: The p.I622L variant (also known as c.1864A>T), located in coding exon 4 of the MSH6 gene, results from an A to T substitution at nucleotide position 1864. The isoleucine at codon 622 is replaced by leucine, an amino acid with highly similar properties. This amino acid position is not well conserved in available vertebrate species. In addition, this alteration is predicted to be tolerated by in silico analysis. Since supporting evidence is limited at this time, the clinical significance of this alteration remains unclear.

NM_000179.3(MSH6):c.1864A>T (p.Ile622Leu)

Gene: MSH6 (mutS homolog 6; plus strand). Cytogenetic location: 2p16.3.
Variant type: single nucleotide variant.
Coding change: c.1864A>T on transcript NM_000179.3 (MANE Select); coding-DNA position 1864, A replaced by T.
Protein change: p.Ile622Leu; replaces isoleucine 622 with leucine.
Molecular consequence: missense variant. On other transcripts: non-coding transcript variant (5), intron variant (2).
Genome position (GRCh38, 1-based): chr2:47,799,847, A>T. VCF-style: chr2-47799847-A-T. GRCh37 (hg19) VCF-style: chr2-48026986-A-T.
Other names: c.958A>T, p.Ile320Leu (NM_001281494.2, NM_001281493.2, NM_001406811.1 and 6 more transcripts); c.1960A>T, p.Ile654Leu (NM_001406795.1, NM_001406802.1); c.1864A>T, p.Ile622Leu (NM_001406796.1, NM_001406798.1, NM_001406800.1 and 3 more transcripts); c.1339A>T, p.Ile447Leu (NM_001406799.1, NM_001406806.1, NM_001406807.1); c.1567A>T, p.Ile523Leu (NM_001406797.1, NM_001406801.1, NM_001406805.1 and 10 more transcripts); c.1474A>T, p.Ile492Leu (NM_001281492.2); c.1786A>T, p.Ile596Leu (NM_001406804.1); c.1870A>T, p.Ile624Leu (NM_001406813.1); and 3 more; short protein forms I654L, I566L, I622L, I320L, I447L, I523L, I624L, I492L.
Identifiers: ClinVar variation 2567459 (VCV002567459.4), dbSNP rs587778529, ClinGen allele CA346749842.